The following is an entry in ClinVar:

ClinVar aggregate classification (germline): Conflicting classifications of pathogenicity. Review status: criteria provided, conflicting classifications (1 of 4 stars). 4 submissions from 2 submitters: Uncertain significance (2); Benign (2). Last evaluated 2024-02-25.

Conditions:
Glucocorticoid-remediable aldosteronism. Also called: Hyperaldosteronism, familial, type I; ACTH-DEPENDENT HYPERALDOSTERONISM SYNDROME; ALDOSTERONISM, SENSITIVE TO DEXAMETHASONE; FH I; GLUCOCORTICOID-SUPPRESSIBLE HYPERALDOSTERONISM. Identifiers: Orphanet 403, MedGen C3838731, MONDO:0007080, OMIM 103900.
Corticosterone 18-monooxygenase deficiency. Also called: ALDOSTERONE DEFICIENCY DUE TO DEFECT IN STEROID 18-HYDROXYLASE; ALDOSTERONE DEFICIENCY I; CMO I DEFICIENCY; STEROID 18-HYDROXYLASE DEFICIENCY; 18 Hydroxylase deficiency; Aldosterone deficiency due to defect in 18 hydroxylase. Identifiers: Orphanet 427, MedGen C0268293, MONDO:0008751, OMIM 203400. Disease mechanism: loss of function.
Corticosterone methyloxidase type 2 deficiency. Also called: 18-OXIDASE DEFICIENCY; ALDOSTERONE DEFICIENCY DUE TO DEFICIENCY OF STEROID 18-OXIDASE; ALDOSTERONE DEFICIENCY II; CMO II DEFICIENCY; STEROID 18-OXIDASE DEFICIENCY. Identifiers: Orphanet 427, MedGen C3463917, MONDO:0012524, OMIM 610600. Disease mechanism: loss of function.

Allele frequency attached by ClinVar (database versions not stated): gnomAD 0.00001 and 0.00002; TOPMed 0.00001; ExAC 0.00012; 1000 Genomes Project 30x 0.00031; 1000 Genomes Project 0.00040.
gnomAD v4.1: 63 of 1,614,050 alleles (0.0039%); highest among the groups gnomAD compares: East Asian, 0.1%; 2 homozygotes.

Submissions (4):

Labcorp Genetics (formerly Invitae), Labcorp
Classification: Benign. Last evaluated: 2024-02-25. Review status: criteria provided, single submitter. Criteria: Invitae Variant Classification Sherloc (09022015). Collection method: clinical testing. Allele origin: germline.

Illumina Laboratory Services, Illumina
Classification: Uncertain significance for Corticosterone 18-monooxygenase deficiency. Last evaluated: 2018-01-13. Review status: criteria provided, single submitter. Criteria: ICSL Variant Classification Criteria 13 December 2019. Collection method: clinical testing. Allele origin: germline.

Illumina Laboratory Services, Illumina
Classification: Benign for Hyperaldosteronism, familial, type I. Last evaluated: 2018-01-13. Review status: criteria provided, single submitter. Criteria: ICSL Variant Classification Criteria 13 December 2019. Collection method: clinical testing. Allele origin: germline.
Comment: This variant was observed in the ICSL laboratory as part of a predisposition screen in an ostensibly healthy population. It had not been previously curated by ICSL or reported in the Human Gene Mutation Database (HGMD: prior to June 1st, 2018), and was therefore a candidate for classification through an automated scoring system. Utilizing variant allele frequency, disease prevalence and penetrance estimates, and inheritance mode, an automated score was calculated to assess if this variant is too frequent to cause the disease. Based on the score and internal cut-off values, a variant classified as benign is not then subjected to further curation. The score for this variant resulted in a classification of benign for this disease.

Illumina Laboratory Services, Illumina
Classification: Uncertain significance for Corticosterone methyloxidase type 2 deficiency. Last evaluated: 2018-01-13. Review status: criteria provided, single submitter. Criteria: ICSL Variant Classification Criteria 13 December 2019. Collection method: clinical testing. Allele origin: germline.

NM_000498.3(CYP11B2):c.395+10G>A

Genes: CYP11B2 (cytochrome P450 family 11 subfamily B member 2; minus strand), LOC106799834 (CYP11B2 recombination region; plus strand). Cytogenetic location: 8q24.3.
Variant type: single nucleotide variant.
Coding change: c.395+10G>A on transcript NM_000498.3 (MANE Select); 10 bases into the intron after coding-DNA position 395, G replaced by A.
Molecular consequence: intron variant.
Genome position (GRCh38, 1-based): chr8:142,917,049, C>T on the plus strand (G>A on the coding strand, the complement: CYP11B2 is on the minus strand). VCF-style: chr8-142917049-C-T. GRCh37 (hg19) VCF-style: chr8-143998465-C-T.
Identifiers: ClinVar variation 362225 (VCV000362225.15), dbSNP rs193166276, ClinGen allele CA4906264.